The following is an entry in ClinVar:

NM_000553.6(WRN):c.340G>T (p.Val114Phe)

Gene: WRN (WRN RecQ like helicase; plus strand). Cytogenetic location: 8p12.
Variant type: single nucleotide variant.
Coding change: c.340G>T on transcript NM_000553.6 (MANE Select); coding-DNA position 340, G replaced by T.
Protein change: p.Val114Phe; replaces valine 114 with phenylalanine.
Molecular consequence: missense variant.
Genome position (GRCh38, 1-based): chr8:31,064,419, G>T. VCF-style: chr8-31064419-G-T. GRCh37 (hg19) VCF-style: chr8-30921935-G-T.
Other names: short protein forms V114F.
Identifiers: ClinVar variation 657724 (VCV000657724.4), dbSNP rs2230009, ClinGen allele CA370914446.

ClinVar aggregate classification (germline): Uncertain significance (1 of 4 stars; one submission).

Conditions:
Werner syndrome (WRN). Identifiers: Orphanet 902, MedGen C0043119, MONDO:0010196, OMIM 277700.

gnomAD v4.1: 1 of 1,613,890 alleles (0.000062%); highest among the groups gnomAD compares: African/African-American, 0.0013%; no homozygotes.

Submission:

Labcorp Genetics (formerly Invitae), Labcorp
Classification: Uncertain significance for Werner syndrome. Last evaluated: 2018-11-16. Review status: criteria provided, single submitter. Criteria: Invitae Variant Classification Sherloc (09022015). Collection method: clinical testing. Allele origin: germline.
Comment: This sequence change replaces valine with phenylalanine at codon 114 of the WRN protein (p.Val114Phe). The valine residue is weakly conserved and there is a small physicochemical difference between valine and phenylalanine. In summary, the available evidence is currently insufficient to determine the role of this variant in disease. Therefore, it has been classified as a Variant of Uncertain Significance. Algorithms developed to predict the effect of missense changes on protein structure and function are either unavailable or do not agree on the potential impact of this missense change (SIFT: "Deleterious"; PolyPhen-2: "Possibly Damaging"; Align-GVGD: "Class C0"). This variant has not been reported in the literature in individuals with WRN-related disease. This variant is not present in population databases (ExAC no frequency).